The following is an entry in ClinVar:

ClinVar aggregate classification (germline): Uncertain significance (1 of 4 stars; one submission).

Conditions:
FG syndrome 1 (OKS). Also called: OPITZ-KAVEGGIA SYNDROME; KELLER SYNDROME; MENTAL RETARDATION, LARGE HEAD, IMPERFORATE ANUS, CONGENITAL HYPOTONIA, AND PARTIAL AGENESIS OF CORPUS CALLOSUM; FG Syndrome Type 1 (FGS1). Identifiers: Orphanet 93932, MedGen C5399762, MONDO:0010590, OMIM 305450.
X-linked intellectual disability with marfanoid habitus. Also called: Lujan Syndrome; X-linked mental retardation with marfanoid habitus syndrome; Lujan Syndrome (LS); INTELLECTUAL DEVELOPMENTAL DISORDER, X-LINKED, SYNDROMIC, LUJAN-FRYNS TYPE. Identifiers: Orphanet 776, MedGen C0796022, MONDO:0010655, OMIM 309520.
Cholestasis-pigmentary retinopathy-cleft palate syndrome (HDKR). Also called: Hardikar Syndrome (HS). Identifiers: Orphanet 1415, MedGen C0795969, MeSH C535632, MONDO:0012997, OMIM 301068.
Blepharophimosis - intellectual disability syndrome, MKB type. Also called: BLEPHAROPHIMOSIS-MENTAL RETARDATION SYNDROME, MAAT-KIEVIT-BRUNNER TYPE; Ohdo syndrome, X-linked; X-Linked Ohdo Syndrome (XLOS). Identifiers: Orphanet 293707, MedGen C3698541, MONDO:0010477, OMIM 300895.

Submission:

Juno Genomics, Hangzhou Juno Genomics, Inc
Classification: Uncertain significance for Cholestasis-pigmentary retinopathy-cleft palate syndrome; X-linked intellectual disability with marfanoid habitus; Blepharophimosis - intellectual disability syndrome, MKB type; FG syndrome 1. Review status: criteria provided, single submitter. Criteria: ACMG Guidelines, 2015. Collection method: clinical testing. Allele origin: germline. Affected: yes.
Comment: Absent from controls (or at extremely low frequency if recessive) in Genome Aggregation Database, Exome Sequencing Project, 1000 Genomes Project, or Exome Aggregation Consortium.;De novo (both maternity and paternity confirmed) in a patient with the disease and no family history.;Protein length changes due to in-frame deletions/insertions in a non-repeat region or stop-loss variants.

NM_005120.3(MED12):c.6062_6094del (p.Leu2021_Thr2031del)

Gene: MED12 (mediator complex subunit 12; plus strand). Cytogenetic location: Xq13.1.
Variant type: Deletion.
Coding change: c.6062_6094del on transcript NM_005120.3 (MANE Select); coding-DNA positions 6062 to 6094, 33 bases deleted.
Protein change: p.Leu2021_Thr2031del.
Molecular consequence: inframe deletion.
Genome position (GRCh38, 1-based): chrX:71,140,652-71,140,684, 33 bases deleted; deleting any 33 consecutive bases within chrX:71,140,651-71,140,684 gives the same sequence; the c. name uses the placement nearest the transcript's 3' end. GRCh37 (hg19): chrX:70,360,502-70,360,534.
Identifiers: ClinVar variation 3382720 (VCV003382720.2).